The following is an entry in ClinVar:

NM_006031.6(PCNT):c.2575G>A (p.Asp859Asn)

Gene: PCNT (pericentrin; plus strand). Cytogenetic location: 21q22.3.
Variant type: single nucleotide variant.
Coding change: c.2575G>A on transcript NM_006031.6 (MANE Select); coding-DNA position 2575, G replaced by A.
Protein change: p.Asp859Asn; replaces aspartic acid 859 with asparagine.
Molecular consequence: missense variant.
Genome position (GRCh38, 1-based): chr21:46,363,900, G>A. VCF-style: chr21-46363900-G-A. GRCh37 (hg19) VCF-style: chr21-47783815-G-A.
Other names: c.2221G>A, p.Asp741Asn (NM_001315529.2); short protein forms D859N, D741N.
Identifiers: ClinVar variation 211848 (VCV000211848.41), dbSNP rs115369710, ClinGen allele CA209496.

ClinVar aggregate classification (germline): Conflicting classifications of pathogenicity. Review status: criteria provided, conflicting classifications (1 of 4 stars). 7 submissions from 7 submitters: Uncertain significance (1); Benign (5); Likely benign (1). Last evaluated 2026-05-01.

Conditions:
Microcephalic osteodysplastic primordial dwarfism type II (MOPD2). Also called: Microcephalic osteodysplastic primordial dwarfism with tooth abnormalities; MOPD II; OSTEODYSPLASTIC PRIMORDIAL DWARFISM, TYPE II. Identifiers: Orphanet 2637, MedGen C0432246, MONDO:0008872, OMIM 210720.

Allele frequency attached by ClinVar (database versions not stated): gnomAD exomes 0.00061 and 0.00170; ExAC 0.00199; 1000 Genomes Project 0.00479; 1000 Genomes Project 30x 0.00578; gnomAD 0.00648 and 0.00703; ESP Exome Variant Server 0.00672; TOPMed 0.00752.
gnomAD v4.1: 1,908 of 1,611,132 alleles (0.12%); highest among the groups gnomAD compares: African/African-American, 2.3%; 20 homozygotes.

Submissions (7):

CeGaT Center for Human Genetics Tuebingen
Classification: Benign. Last evaluated: 2026-05-01. Review status: criteria provided, single submitter. Criteria: CeGaT Center For Human Genetics Tuebingen Variant Classification Criteria Version 2. Collection method: clinical testing. Allele origin: germline. Affected: yes. Observed: 3 variant alleles.
Comment: PCNT: BP4, BS1, BS2

Labcorp Genetics (formerly Invitae), Labcorp
Classification: Benign. Last evaluated: 2026-02-03. Review status: criteria provided, single submitter. Criteria: Invitae Variant Classification Sherloc (09022015). Collection method: clinical testing. Allele origin: germline.

Blueprint Genetics
Classification: Likely benign. Last evaluated: 2024-11-06. Review status: criteria provided, single submitter. Criteria: ACMG Guidelines, 2015. Collection method: clinical testing. Allele origin: germline.

ARUP Laboratories, Molecular Genetics and Genomics, ARUP Laboratories
Classification: Benign for Microcephalic osteodysplastic primordial dwarfism type II. Last evaluated: 2023-09-21. Review status: criteria provided, single submitter. Criteria: ARUP Molecular Germline Variant Investigation Process 2024. Collection method: clinical testing. Allele origin: germline.

GeneDx
Classification: Benign. Last evaluated: 2020-04-06. Review status: criteria provided, single submitter. Criteria: GeneDx Variant Classification Process June 2021. Collection method: clinical testing. Allele origin: germline. Affected: yes.
Comment: This variant is associated with the following publications: (PMID: 30413633)

Illumina Laboratory Services, Illumina
Classification: Benign for Microcephalic osteodysplastic primordial dwarfism type II. Last evaluated: 2018-01-13. Review status: criteria provided, single submitter. Criteria: ICSL Variant Classification Criteria 13 December 2019. Collection method: clinical testing. Allele origin: germline.
Comment: This variant was observed in the ICSL laboratory as part of a predisposition screen in an ostensibly healthy population. It had not been previously curated by ICSL or reported in the Human Gene Mutation Database (HGMD: prior to June 1st, 2018), and was therefore a candidate for classification through an automated scoring system. Utilizing variant allele frequency, disease prevalence and penetrance estimates, and inheritance mode, an automated score was calculated to assess if this variant is too frequent to cause the disease. Based on the score and internal cut-off values, a variant classified as benign is not then subjected to further curation. The score for this variant resulted in a classification of benign for this disease.

Genetic Services Laboratory, University of Chicago
Classification: Uncertain significance. Last evaluated: 2014-08-20. Review status: criteria provided, single submitter. Criteria: ACMG Guidelines, 2015. Collection method: clinical testing. Allele origin: germline.